The following is an entry in ClinVar:

ClinVar aggregate classification (germline): Uncertain significance (1 of 4 stars; one submission).

Submission:

Labcorp Genetics (formerly Invitae), Labcorp
Classification: Uncertain significance. Last evaluated: 2025-08-20. Review status: criteria provided, single submitter. Criteria: Invitae Variant Classification Sherloc (09022015). Collection method: clinical testing. Allele origin: germline.
Comment: This sequence change replaces leucine, which is neutral and non-polar, with methionine, which is neutral and non-polar, at codon 537 of the ALAS2 protein (p.Leu537Met). This variant is not present in population databases (gnomAD no frequency). This variant has not been reported in the literature in individuals affected with ALAS2-related conditions. Invitae Evidence Modeling of protein sequence and biophysical properties (such as structural, functional, and spatial information, amino acid conservation, physicochemical variation, residue mobility, and thermodynamic stability) has been performed for this missense variant. However, the output from this modeling did not meet the statistical confidence thresholds required to predict the impact of this variant on ALAS2 protein function. In summary, the available evidence is currently insufficient to determine the role of this variant in disease. Therefore, it has been classified as a Variant of Uncertain Significance.

NM_000032.5(ALAS2):c.1609C>A (p.Leu537Met)

Gene: ALAS2 (5'-aminolevulinate synthase 2; minus strand). Cytogenetic location: Xp11.21.
Variant type: single nucleotide variant.
Coding change: c.1609C>A on transcript NM_000032.5 (MANE Select); coding-DNA position 1609, C replaced by A.
Protein change: p.Leu537Met; replaces leucine 537 with methionine.
Molecular consequence: missense variant.
Genome position (GRCh38, 1-based): chrX:55,009,335, G>T on the plus strand (C>A on the coding strand, the complement: ALAS2 is on the minus strand). VCF-style: chrX-55009335-G-T. GRCh37 (hg19) VCF-style: chrX-55035768-G-T.
Other names: c.1498C>A, p.Leu500Met (NM_001037967.4); c.1570C>A, p.Leu524Met (NM_001037968.4); short protein forms L500M, L524M, L537M.
Identifiers: ClinVar variation 4801051 (VCV004801051.1).
Genomic context (GRCh38, chrX:55,009,335, plus strand): 5'-AATTGCAGGCAGCCACAGACACATCCTGGAGGGGCAGCCCCACCGCAGTCCAAGCCAGCA[G>T]CAGCTTCTCTGAAGGTGGTAGGGGGAGGGGAGGGAAAAAATGGGTTAGACTAGATCTTCC-3'
Protein context (NP_000023.2, residues 527-547): QMMEDFVEKL[Leu537Met]LAWTAVGLPL